The following is an entry in ClinVar:

NM_002582.4(PARN):c.1865G>A (p.Gly622Glu)

Gene: PARN (poly(A)-specific ribonuclease; minus strand). Cytogenetic location: 16p13.12.
Variant type: single nucleotide variant.
Coding change: c.1865G>A on transcript NM_002582.4 (MANE Select); coding-DNA position 1865, G replaced by A.
Protein change: p.Gly622Glu; replaces glycine 622 with glutamic acid.
Molecular consequence: missense variant.
Genome position (GRCh38, 1-based): chr16:14,436,772, C>T on the plus strand (G>A on the coding strand, the complement: PARN is on the minus strand). VCF-style: chr16-14436772-C-T. GRCh37 (hg19) VCF-style: chr16-14530629-C-T.
Other names: c.1682G>A, p.Gly561Glu (NM_001134477.3); c.1727G>A, p.Gly576Glu (NM_001242992.2); short protein forms G561E, G576E, G622E.
Identifiers: ClinVar variation 1406202 (VCV001406202.13), dbSNP rs1567278518, ClinGen allele CA395183275.

ClinVar aggregate classification (germline): Uncertain significance (1 of 4 stars; one submission).

Conditions:
Dyskeratosis congenita, autosomal recessive 6 (DKCB6). Identifiers: MedGen C4225356, MONDO:0014600, OMIM 616353.
Pulmonary fibrosis and/or bone marrow failure, Telomere-related, 4. Also called: PULMONARY FIBROSIS AND/OR BONE MARROW FAILURE SYNDROME, TELOMERE-RELATED, 4. Identifiers: Orphanet 2032, MedGen C4225347, MONDO:0014612, OMIM 616371.

Allele frequency attached by ClinVar (database versions not stated): gnomAD exomes below 0.00001.
gnomAD v4.1: 2 of 1,585,480 alleles (0.00013%); highest among the groups gnomAD compares: Non-Finnish European, 0.00017%; no homozygotes.

Submission:

Labcorp Genetics (formerly Invitae), Labcorp
Classification: Uncertain significance for Dyskeratosis congenita, autosomal recessive 6; Pulmonary fibrosis and/or bone marrow failure, Telomere-related, 4. Last evaluated: 2023-08-10. Review status: criteria provided, single submitter. Criteria: Invitae Variant Classification Sherloc (09022015). Collection method: clinical testing. Allele origin: germline.
Comment: This variant is not present in population databases (gnomAD no frequency). This variant has not been reported in the literature in individuals affected with PARN-related conditions. ClinVar contains an entry for this variant (Variation ID: 1406202). An algorithm developed to predict the effect of missense changes on protein structure and function (PolyPhen-2) suggests that this variant is likely to be tolerated. In summary, the available evidence is currently insufficient to determine the role of this variant in disease. Therefore, it has been classified as a Variant of Uncertain Significance. This sequence change replaces glycine, which is neutral and non-polar, with glutamic acid, which is acidic and polar, at codon 622 of the PARN protein (p.Gly622Glu).